The following is an entry in ClinVar:

NM_013275.6(ANKRD11):c.316C>T (p.Arg106Ter)

Gene: ANKRD11 (ankyrin repeat domain 11; minus strand). Cytogenetic location: 16q24.3.
Variant type: single nucleotide variant.
Coding change: c.316C>T on transcript NM_013275.6 (MANE Select); coding-DNA position 316, C replaced by T.
Protein change: p.Arg106Ter; replaces arginine 106 with a stop codon.
Molecular consequence: nonsense. On other transcripts: non-coding transcript variant (1).
Genome position (GRCh38, 1-based): chr16:89,291,094, G>A on the plus strand (C>T on the coding strand, the complement: ANKRD11 is on the minus strand). VCF-style: chr16-89291094-G-A. GRCh37 (hg19) VCF-style: chr16-89357502-G-A.
Other names: c.316C>T, p.Arg106Ter (NM_001256182.2, NM_001256183.2); short protein forms R106*.
Identifiers: ClinVar variation 3342373 (VCV003342373.5).

ClinVar aggregate classification (germline): Pathogenic/Likely pathogenic. Review status: criteria provided, multiple submitters, no conflicts (2 of 4 stars). 3 submissions from 3 submitters: Pathogenic (2); Likely pathogenic (1). Last evaluated 2025-08-20.

Conditions:
KBG syndrome (KBGS). Also called: ANKRD11-Related KBG Syndrome. Identifiers: Orphanet 2332, MedGen C0220687, MONDO:0007846, OMIM 148050.

Submissions (3):

Labcorp Genetics (formerly Invitae), Labcorp
Classification: Pathogenic for KBG syndrome. Last evaluated: 2025-08-20. Review status: criteria provided, single submitter. Criteria: Invitae Variant Classification Sherloc (09022015). Collection method: clinical testing. Allele origin: germline.
Comment: This sequence change creates a premature translational stop signal (p.Arg106*) in the ANKRD11 gene. It is expected to result in an absent or disrupted protein product. Loss-of-function variants in ANKRD11 are known to be pathogenic (PMID: 21782149, 25125236, 25413698, 25652421). This variant is not present in population databases (gnomAD no frequency). This premature translational stop signal has been observed in individual(s) with clinical features of ANKRD11-related conditions (PMID: 32005694). ClinVar contains an entry for this variant (Variation ID: 3342373). For these reasons, this variant has been classified as Pathogenic.

GeneDx
Classification: Pathogenic. Last evaluated: 2024-12-22. Review status: criteria provided, single submitter. Criteria: GeneDx Variant Classification Process June 2021. Collection method: clinical testing. Allele origin: germline.
Comment: Observed in a patient with developmental delay with malformations (PMID: 32005694); Nonsense variant predicted to result in protein truncation or nonsense mediated decay in a gene for which loss of function is a known mechanism of disease; Not observed at significant frequency in large population cohorts (gnomAD); This variant is associated with the following publications: (PMID: 32005694)

Institute of Human Genetics, Heidelberg University
Classification: Likely pathogenic for KBG syndrome. Last evaluated: 2024-09-06. Review status: criteria provided, single submitter. Criteria: ACMG Guidelines, 2015. Collection method: clinical testing. Allele origin: unknown. Affected: yes.

Literature cited by the submitters: PubMed 21782149 (cited by Labcorp Genetics (formerly Invitae), Labcorp); PubMed 25125236 (cited by Labcorp Genetics (formerly Invitae), Labcorp); PubMed 25413698 (cited by Labcorp Genetics (formerly Invitae), Labcorp); PubMed 25652421 (cited by Labcorp Genetics (formerly Invitae), Labcorp); PubMed 32005694 (cited by Labcorp Genetics (formerly Invitae), Labcorp).